The following is an entry in ClinVar:

ClinVar aggregate classification (germline): Uncertain significance (1 of 4 stars; one submission).

gnomAD v4.1: 5 of 1,614,078 alleles (0.00031%); highest among the groups gnomAD compares: Non-Finnish European, 0.00034%; no homozygotes.

Submission:

Dasa
Classification: Uncertain significance. Last evaluated: 2026-07-06. Review status: criteria provided, single submitter. Criteria: DASA Assertion Criteria. Collection method: clinical testing. Allele origin: germline.
Comment: NM_004996.4(ABCC1):c.1253C>T (p.Ser418Phe) is a missense variant that results in the substitution of serine with phenylalanine. This variant is rare in population databases. Computational prediction algorithms are consistent with a deleterious effect. The currently available literature and clinical evidence are not sufficient to establish a definitive association between this variant and the reported condition. Therefore, this variant is classified as a variant of uncertain significance.

NM_004996.4(ABCC1):c.1253C>T (p.Ser418Phe)

Gene: ABCC1 (ATP binding cassette subfamily C member 1 (ABCC1 blood group); plus strand). Cytogenetic location: 16p13.11.
Variant type: single nucleotide variant.
Coding change: c.1253C>T on transcript NM_004996.4 (MANE Select); coding-DNA position 1253, C replaced by T.
Protein change: p.Ser418Phe; replaces serine 418 with phenylalanine.
Molecular consequence: missense variant.
Genome position (GRCh38, 1-based): chr16:16,048,176, C>T. VCF-style: chr16-16048176-C-T. GRCh37 (hg19) VCF-style: chr16-16142033-C-T.
Other names: c.1127C>T, p.Ser376Phe (NM_001438715.1, NM_001438719.1, NM_019901.2); c.989C>T, p.Ser330Phe (NM_001438717.1); c.1115C>T, p.Ser372Phe (NM_001438718.1); c.1253C>T, p.Ser418Phe (NM_001438720.1, NM_001438755.1, NM_019862.3 and 3 more transcripts); short protein forms S330F, S372F, S376F, S418F.
Identifiers: ClinVar variation 5020231 (VCV005020231.1).